The following is an entry in ClinVar:

ClinVar aggregate classification (germline): Uncertain significance (1 of 4 stars; one submission).

Conditions:
Aortic aneurysm, familial thoracic 4 (AAT4). Also called: AORTIC ANEURYSM/AORTIC DISSECTION AND PATENT DUCTUS ARTERIOSUS. Identifiers: MedGen C1851504, MONDO:0007568, OMIM 132900.

Submission:

Labcorp Genetics (formerly Invitae), Labcorp
Classification: Uncertain significance for Aortic aneurysm, familial thoracic 4. Last evaluated: 2024-06-30. Review status: criteria provided, single submitter. Criteria: Invitae Variant Classification Sherloc (09022015). Collection method: clinical testing. Allele origin: germline.
Comment: This sequence change replaces alanine, which is neutral and non-polar, with glycine, which is neutral and non-polar, at codon 1505 of the MYH11 protein (p.Ala1505Gly). This variant is not present in population databases (gnomAD no frequency). This variant has not been reported in the literature in individuals affected with MYH11-related conditions. Advanced modeling of protein sequence and biophysical properties (such as structural, functional, and spatial information, amino acid conservation, physicochemical variation, residue mobility, and thermodynamic stability) performed at Invitae indicates that this missense variant is not expected to disrupt MYH11 protein function with a negative predictive value of 95%. In summary, the available evidence is currently insufficient to determine the role of this variant in disease. Therefore, it has been classified as a Variant of Uncertain Significance.

NM_002474.3(MYH11):c.4493C>G (p.Ala1498Gly)

Genes: NDE1 (nudE neurodevelopment protein 1; plus strand), MYH11 (myosin heavy chain 11; minus strand). Cytogenetic location: 16p13.11.
Variant type: single nucleotide variant.
Coding change: c.4493C>G on transcript NM_002474.3 (MANE Select); coding-DNA position 4493, C replaced by G.
Protein change: p.Ala1498Gly; replaces alanine 1498 with glycine.
Molecular consequence: missense variant. On other transcripts: intron variant (2).
Genome position (GRCh38, 1-based): chr16:15,721,507, G>C on the plus strand (C>G on the coding strand, the complement: MYH11 is on the minus strand). VCF-style: chr16-15721507-G-C. GRCh37 (hg19) VCF-style: chr16-15815364-G-C.
Other names: c.4514C>G, p.Ala1505Gly (NM_001040113.2, NM_001040114.2); c.4493C>G, p.Ala1498Gly (NM_022844.3); c.948-2684G>C (NM_001143979.2, NM_017668.3); short protein forms A1498G, A1505G.
Identifiers: ClinVar variation 3699107 (VCV003699107.2).